The following is an entry in ClinVar:

ClinVar aggregate classification (germline): Uncertain significance. Review status: criteria provided, multiple submitters, no conflicts (2 of 4 stars). 6 submissions from 6 submitters: Uncertain significance (5). 1 of the submissions does not count toward it. Last evaluated 2025-12-03.

Conditions:
Hereditary breast ovarian cancer syndrome. Also called: Hereditary breast and ovarian cancer syndrome (HBOC); BRCA1- and BRCA2-Associated Hereditary Breast and Ovarian Cancer; Hereditary breast and ovarian cancer syndrome; Breast and ovarian cancer; Hereditary breast and/or ovarian cancer syndrome; Hereditary breast and ovarian cancer. Identifiers: Orphanet 145, MedGen C0677776, MeSH D061325, MONDO:0003582. Disease mechanism: loss of function.
Hereditary cancer-predisposing syndrome. Also called: Neoplastic Syndromes, Hereditary; Hereditary Cancer Syndrome; Hereditary neoplastic syndrome; Tumor predisposition. Identifiers: Orphanet 140162, MedGen C0027672, MeSH D009386, MONDO:0015356.
Breast-ovarian cancer, familial, susceptibility to, 2 (BROVCA2). Also called: BRCA2 Hereditary Breast and Ovarian Cancer. Identifiers: Orphanet 145, MedGen C2675520, MONDO:0012933, OMIM 612555. Disease mechanism: loss of function.

Allele frequency attached by ClinVar (database versions not stated): gnomAD exomes 0.00001; ExAC 0.00002.
gnomAD v4.1: 3 of 1,606,718 alleles (0.00019%); highest among the groups gnomAD compares: Non-Finnish European, 0.00017%; no homozygotes.

Submissions (6):

Labcorp Genetics (formerly Invitae), Labcorp
Classification: Uncertain significance for Hereditary breast ovarian cancer syndrome. Last evaluated: 2025-12-03. Review status: criteria provided, single submitter. Criteria: Invitae Variant Classification Sherloc (09022015). Collection method: clinical testing. Allele origin: germline.
Comment: This sequence change replaces proline, which is neutral and non-polar, with leucine, which is neutral and non-polar, at codon 2334 of the BRCA2 protein (p.Pro2334Leu). This variant is present in population databases (rs748816192, gnomAD 0.002%). This variant has not been reported in the literature in individuals affected with BRCA2-related conditions. ClinVar contains an entry for this variant (Variation ID: 826770). Invitae Evidence Modeling of protein sequence and biophysical properties (such as structural, functional, and spatial information, amino acid conservation, physicochemical variation, residue mobility, and thermodynamic stability) indicates that this missense variant is not expected to disrupt BRCA2 protein function with a negative predictive value of 95%. In summary, the available evidence is currently insufficient to determine the role of this variant in disease. Therefore, it has been classified as a Variant of Uncertain Significance.

Ambry Genetics
Classification: Uncertain significance for Hereditary cancer-predisposing syndrome. Last evaluated: 2025-06-25. Review status: criteria provided, single submitter. Criteria: Ambry Variant Classification Scheme 2023. Collection method: clinical testing. Allele origin: germline.
Comment: The p.P2334L variant (also known as c.7001C>T), located in coding exon 12 of the BRCA2 gene, results from a C to T substitution at nucleotide position 7001. The proline at codon 2334 is replaced by leucine, an amino acid with similar properties. One functional study suggests that this variant functions normally, however, additional evidence is needed to confirm this finding (Sahu S et al. PLoS Genet. 2023 Sep;19(9):e1010940). This amino acid position is highly conserved in available vertebrate species. In addition, the in silico prediction for this alteration is inconclusive. Based on the available evidence, the clinical significance of this variant remains unclear.

Color Diagnostics, LLC DBA Color Health
Classification: Uncertain significance for Hereditary cancer-predisposing syndrome. Last evaluated: 2020-11-05. Review status: criteria provided, single submitter. Criteria: ACMG Guidelines, 2015. Collection method: clinical testing. Allele origin: germline.
Comment: This missense variant replaces proline with leucine at codon 2334 of the BRCA2 protein. Computational prediction is inconclusive regarding the impact of this variant on protein structure and function (internally defined REVEL score threshold 0.5 < inconclusive < 0.7, PMID: 27666373). To our knowledge, functional studies have not been reported for this variant. This variant has not been reported in individuals affected with hereditary cancer in the literature. This variant has been identified in 3/248860 chromosomes in the general population by the Genome Aggregation Database (gnomAD). The available evidence is insufficient to determine the role of this variant in disease conclusively. Therefore, this variant is classified as a Variant of Uncertain Significance.

Women's Health and Genetics/Laboratory Corporation of America, LabCorp
Classification: Uncertain significance. Last evaluated: 2019-12-23. Review status: criteria provided, single submitter. Criteria: LabCorp Variant Classification Summary - May 2015. Collection method: clinical testing. Allele origin: germline.
Comment: Variant summary: BRCA2 c.7001C>T (p.Pro2334Leu) results in a non-conservative amino acid change in the encoded protein sequence. Five of five in-silico tools predict a damaging effect of the variant on protein function. The variant allele was found at a frequency of 1.2e-05 in 248860 control chromosomes. The available data on variant occurrences in the general population are insufficient to allow any conclusion about variant significance. To our knowledge, no occurrence of c.7001C>T in individuals affected with Hereditary Breast and Ovarian Cancer and no experimental evidence demonstrating its impact on protein function have been reported. No clinical diagnostic laboratories have submitted clinical-significance assessments for this variant to ClinVar after 2014. Based on the evidence outlined above, the variant was classified as uncertain significance.

ARUP Laboratories, Molecular Genetics and Genomics, ARUP Laboratories
Classification: Uncertain significance. Last evaluated: 2019-10-14. Review status: criteria provided, single submitter. Criteria: ARUP Molecular Germline Variant Investigation Process. Collection method: clinical testing. Allele origin: germline.
Comment: The BRCA2 c.7001C>T; p.Pro2334Leu variant (rs748816192), to our knowledge, is not reported in the medical literature or gene-specific databases. This variant is found on only three chromosomes (3/248860 alleles) in the Genome Aggregation Database. The proline at codon 2334 is highly conserved, and computational analyses (SIFT, PolyPhen-2) predict that this variant is deleterious. However, due to limited information, the clinical significance of the p.Pro2334Leu variant is uncertain at this time.

BRCAlab, Lund University
Classification: Uncertain significance for Breast-ovarian cancer, familial, susceptibility to, 2. Last evaluated: 2020-03-02. Review status: no assertion criteria provided. Collection method: clinical testing. Allele origin: germline. Affected: yes. Not counted in ClinVar's aggregate classification.

Literature cited by the submitters: PubMed 37713444 (cited by Ambry Genetics).

NM_000059.4(BRCA2):c.7001C>T (p.Pro2334Leu)

Gene: BRCA2 (BRCA2 DNA repair associated; plus strand). Cytogenetic location: 13q13.1.
Variant type: single nucleotide variant.
Coding change: c.7001C>T on transcript NM_000059.4 (MANE Select); coding-DNA position 7001, C replaced by T.
Protein change: p.Pro2334Leu; replaces proline 2334 with leucine.
Molecular consequence: missense variant.
Genome position (GRCh38, 1-based): chr13:32,346,890, C>T. VCF-style: chr13-32346890-C-T. GRCh37 (hg19) VCF-style: chr13-32921027-C-T.
Other names: short protein forms P2334L.
Identifiers: ClinVar variation 826770 (VCV000826770.24), dbSNP rs748816192, ClinGen allele CA6941037.